The following is an entry in ClinVar:

NM_001378454.1(ALMS1):c.517A>G (p.Thr173Ala)

Gene: ALMS1 (ALMS1 centrosome and basal body associated protein; plus strand). Cytogenetic location: 2p13.1.
Variant type: single nucleotide variant.
Coding change: c.517A>G on transcript NM_001378454.1 (MANE Select); coding-DNA position 517, A replaced by G.
Protein change: p.Thr173Ala; replaces threonine 173 with alanine.
Molecular consequence: missense variant.
Genome position (GRCh38, 1-based): chr2:73,419,189, A>G. VCF-style: chr2-73419189-A-G. GRCh37 (hg19) VCF-style: chr2-73646317-A-G.
Other names: c.520A>G, p.Thr174Ala (NM_015120.4); short protein forms T173A, T174A.
Identifiers: ClinVar variation 2081934 (VCV002081934.5), dbSNP rs779801540, ClinGen allele CA1712875.
Genomic context (GRCh38, chr2:73,419,189, plus strand): 5'-GAATCTTGGCATTGTCTTCCTCAAGAAATGGACTCTTCCCAAACCTTGGATACATCCCAG[A>G]CTAGGTTTAATGTGAGAACGGAAGATACTGAAGTGACAGACTTCCCCTCTCTGGAGGAGG-3'
Protein context (NP_001365383.1, residues 163-183): DSSQTLDTSQ[Thr173Ala]RFNVRTEDTE

ClinVar aggregate classification (germline): Conflicting classifications of pathogenicity. Review status: criteria provided, conflicting classifications (1 of 4 stars). 2 submissions from 2 submitters: Uncertain significance (1); Likely benign (1). Last evaluated 2025-08-05.

Conditions:
Cardiovascular phenotype. Identifiers: MedGen CN230736.
Alstrom syndrome (ALMS). Identifiers: Orphanet 64, MedGen C0268425, MONDO:0008763, OMIM 203800.

Allele frequency attached by ClinVar (database versions not stated): gnomAD exomes below 0.00001; ExAC 0.00002.
gnomAD v4.1: 2 of 1,614,076 alleles (0.00012%); highest among the groups gnomAD compares: East Asian, 0.0045%; no homozygotes.

Submissions (2):

Ambry Genetics
Classification: Likely benign for Cardiovascular phenotype. Last evaluated: 2025-08-05. Review status: criteria provided, single submitter. Criteria: Ambry Variant Classification Scheme 2023. Collection method: clinical testing. Allele origin: germline.

Labcorp Genetics (formerly Invitae), Labcorp
Classification: Uncertain significance for Alstrom syndrome. Last evaluated: 2022-07-08. Review status: criteria provided, single submitter. Criteria: Invitae Variant Classification Sherloc (09022015). Collection method: clinical testing. Allele origin: germline.
Comment: This sequence change replaces threonine, which is neutral and polar, with alanine, which is neutral and non-polar, at codon 174 of the ALMS1 protein (p.Thr174Ala). In summary, the available evidence is currently insufficient to determine the role of this variant in disease. Therefore, it has been classified as a Variant of Uncertain Significance. This variant has not been reported in the literature in individuals affected with ALMS1-related conditions. This variant is present in population databases (rs779801540, gnomAD 0.01%).